The following is an entry in ClinVar:

ClinVar aggregate classification (germline): Uncertain significance (1 of 4 stars; one submission).

Submission:

Labcorp Genetics (formerly Invitae), Labcorp
Classification: Uncertain significance. Last evaluated: 2022-09-23. Review status: criteria provided, single submitter. Criteria: Invitae Variant Classification Sherloc (09022015). Collection method: clinical testing. Allele origin: germline.
Comment: In summary, the available evidence is currently insufficient to determine the role of this variant in disease. Therefore, it has been classified as a Variant of Uncertain Significance. Algorithms developed to predict the effect of sequence changes on RNA splicing suggest that this variant may disrupt the consensus splice site. This variant has not been reported in the literature in individuals affected with KCNH1-related conditions. This variant is not present in population databases (gnomAD no frequency). This sequence change affects a donor splice site in intron 6 of the KCNH1 gene. It is expected to disrupt RNA splicing. Variants that disrupt the donor or acceptor splice site typically lead to a loss of protein function (PMID: 16199547), however the current clinical and genetic evidence is not sufficient to establish whether loss-of-function variants in KCNH1 cause disease.

Literature cited by the submitters: PubMed 16199547.

NM_172362.3(KCNH1):c.1032+1G>C

Gene: KCNH1 (potassium voltage-gated channel subfamily H member 1; minus strand). Cytogenetic location: 1q32.2.
Variant type: single nucleotide variant.
Coding change: c.1032+1G>C on transcript NM_172362.3 (MANE Select); the canonical splice donor site of the intron after coding-DNA position 1032, G replaced by C.
Molecular consequence: splice donor variant. On other transcripts: intron variant (1).
Genome position (GRCh38, 1-based): chr1:211,018,782, C>G on the plus strand (G>C on the coding strand, the complement: KCNH1 is on the minus strand). VCF-style: chr1-211018782-C-G. GRCh37 (hg19) VCF-style: chr1-211192124-C-G.
Other names: c.951+82G>C (NM_002238.4).
Identifiers: ClinVar variation 2030469 (VCV002030469.4), dbSNP rs754183146, ClinGen allele CA344875506.